The following is an entry in ClinVar:

ClinVar aggregate classification (germline): Uncertain significance. Review status: criteria provided, multiple submitters, no conflicts (2 of 4 stars). 2 submissions from 2 submitters: Uncertain significance (2). Last evaluated 2025-04-09.

Conditions:
Congenital myasthenic syndrome 11. Also called: MYASTHENIC SYNDROME, CONGENITAL, Ie; Myasthenic syndrome, congenital, 11, associated with acetylcholine receptor deficiency. Identifiers: Orphanet 590, MedGen C4225367, MONDO:0014588, OMIM 616326.
Fetal akinesia deformation sequence 1 (FADS1). Also called: Pena-Shokeir syndrome type I; Fetal akinesia sequence. Identifiers: Orphanet 994, MedGen C1276035, MONDO:0100101, OMIM 208150, HP:0001989.

Allele frequency attached by ClinVar (database versions not stated): TOPMed 0.00002; gnomAD 0.00003; 1000 Genomes Project 0.00020; ExAC 0.00007; gnomAD exomes 0.00011; 1000 Genomes Project 30x 0.00016.

Submissions (2):

Revvity Omics, Revvity
Classification: Uncertain significance. Last evaluated: 2025-04-09. Review status: criteria provided, single submitter. Criteria: ACMG Guidelines, 2015. Collection method: clinical testing. Allele origin: germline.

Labcorp Genetics (formerly Invitae), Labcorp
Classification: Uncertain significance for Congenital myasthenic syndrome 11; Fetal akinesia deformation sequence 1. Last evaluated: 2022-09-27. Review status: criteria provided, single submitter. Criteria: Invitae Variant Classification Sherloc (09022015). Collection method: clinical testing. Allele origin: germline.
Comment: This sequence change replaces arginine, which is basic and polar, with cysteine, which is neutral and slightly polar, at codon 42 of the RAPSN protein (p.Arg42Cys). This variant is present in population databases (rs201197735, gnomAD 0.06%). This variant has not been reported in the literature in individuals affected with RAPSN-related conditions. ClinVar contains an entry for this variant (Variation ID: 1522274). Advanced modeling of protein sequence and biophysical properties (such as structural, functional, and spatial information, amino acid conservation, physicochemical variation, residue mobility, and thermodynamic stability) performed at Invitae indicates that this missense variant is not expected to disrupt RAPSN protein function. In summary, the available evidence is currently insufficient to determine the role of this variant in disease. Therefore, it has been classified as a Variant of Uncertain Significance.

NM_005055.5(RAPSN):c.124C>T (p.Arg42Cys)

Gene: RAPSN (receptor associated protein of the synapse; minus strand). Cytogenetic location: 11p11.2.
Variant type: single nucleotide variant.
Coding change: c.124C>T on transcript NM_005055.5 (MANE Select); coding-DNA position 124, C replaced by T.
Protein change: p.Arg42Cys; replaces arginine 42 with cysteine.
Molecular consequence: missense variant.
Genome position (GRCh38, 1-based): chr11:47,448,841, G>A on the plus strand (C>T on the coding strand, the complement: RAPSN is on the minus strand). VCF-style: chr11-47448841-G-A. GRCh37 (hg19) VCF-style: chr11-47470393-G-A.
Other names: c.124C>T, p.Arg42Cys (NM_032645.5); short protein forms R42C.
Identifiers: ClinVar variation 1522274 (VCV001522274.4), dbSNP rs201197735, ClinGen allele CA5976834.